The following is an entry in ClinVar:

ClinVar aggregate classification (germline): Uncertain significance. Review status: criteria provided, multiple submitters, no conflicts (2 of 4 stars). 2 submissions from 2 submitters: Uncertain significance (2). Last evaluated 2022-04-10.

Conditions:
Emery-Dreifuss muscular dystrophy 4, autosomal dominant (EDMD4). Also called: EMERY-DREIFUSS MUSCULAR DYSTROPHY 4 WITH VARIABLE FEATURES. Identifiers: Orphanet 261, MedGen C2751807, MONDO:0013071, OMIM 612998.
Autosomal recessive ataxia, Beauce type. Also called: SYNE1-Related Autosomal Recessive Cerebellar Ataxia; Spinocerebellar ataxia, autosomal recessive 8; ATAXIA, RECESSIVE, OF BEAUCE; SYNE1 Deficiency. Identifiers: Orphanet 88644, MedGen C1853116, MONDO:0012549, OMIM 610743.

Allele frequency attached by ClinVar (database versions not stated): gnomAD 0.00001; gnomAD exomes 0.00001; TOPMed 0.00002.
gnomAD v4.1: 6 of 1,613,660 alleles (0.00037%); highest among the groups gnomAD compares: Admixed American, 0.0017%; no homozygotes.

Submissions (2):

Labcorp Genetics (formerly Invitae), Labcorp
Classification: Uncertain significance for Emery-Dreifuss muscular dystrophy 4, autosomal dominant; Autosomal recessive ataxia, Beauce type. Last evaluated: 2022-04-10. Review status: criteria provided, single submitter. Criteria: Invitae Variant Classification Sherloc (09022015). Collection method: clinical testing. Allele origin: germline.
Comment: This variant is not present in population databases (gnomAD no frequency). In summary, the available evidence is currently insufficient to determine the role of this variant in disease. Therefore, it has been classified as a Variant of Uncertain Significance. Algorithms developed to predict the effect of missense changes on protein structure and function are either unavailable or do not agree on the potential impact of this missense change (SIFT: "Deleterious"; PolyPhen-2: "Benign"; Align-GVGD: "Class C65"). ClinVar contains an entry for this variant (Variation ID: 586719). This variant has not been reported in the literature in individuals affected with SYNE1-related conditions. This sequence change replaces glutamic acid, which is acidic and polar, with alanine, which is neutral and non-polar, at codon 6210 of the SYNE1 protein (p.Glu6210Ala).

Athena Diagnostics
Classification: Uncertain significance. Last evaluated: 2018-08-03. Review status: criteria provided, single submitter. Criteria: Athena Diagnostics Criteria. Collection method: clinical testing. Allele origin: germline.

NM_182961.4(SYNE1):c.18842A>C (p.Glu6281Ala)

Gene: SYNE1 (spectrin repeat containing nuclear envelope protein 1; minus strand). Cytogenetic location: 6q25.2.
Variant type: single nucleotide variant.
Coding change: c.18842A>C on transcript NM_182961.4 (MANE Select); coding-DNA position 18842, A replaced by C.
Protein change: p.Glu6281Ala; replaces glutamic acid 6281 with alanine.
Molecular consequence: missense variant.
Genome position (GRCh38, 1-based): chr6:152,262,162, T>G on the plus strand (A>C on the coding strand, the complement: SYNE1 is on the minus strand). VCF-style: chr6-152262162-T-G. GRCh37 (hg19) VCF-style: chr6-152583297-T-G.
Other names: c.18629A>C, p.Glu6210Ala (NM_033071.5); short protein forms E6210A, E6281A.
Identifiers: ClinVar variation 586719 (VCV000586719.7), dbSNP rs965275563, ClinGen allele CA150167475.
Genomic context (GRCh38, chr6:152,262,162, plus strand): 5'-CTTTCCCATTTCATTCTCATCTGGTCTTCAGCGGATGATTTCTCCCCTTCCATCCCCAAC[T>G]CCTGGGATAACACATCAGGTTTTTCGCTATTAGAAGAATAAATAATCTAAGTTTACAATG-3'
Protein context (NP_892006.3, residues 6271-6291): AGEKPDVLSQ[Glu6281Ala]LGMEGEKSSA